The following is an entry in ClinVar:

NM_004369.4(COL6A3):c.6242C>G (p.Thr2081Ser)

Gene: COL6A3 (collagen type VI alpha 3 chain; minus strand). Cytogenetic location: 2q37.3.
Variant type: single nucleotide variant.
Coding change: c.6242C>G on transcript NM_004369.4 (MANE Select); coding-DNA position 6242, C replaced by G.
Protein change: p.Thr2081Ser; replaces threonine 2081 with serine.
Molecular consequence: missense variant.
Genome position (GRCh38, 1-based): chr2:237,360,128, G>C on the plus strand (C>G on the coding strand, the complement: COL6A3 is on the minus strand). VCF-style: chr2-237360128-G-C. GRCh37 (hg19) VCF-style: chr2-238268771-G-C.
Other names: c.4421C>G, p.Thr1474Ser (NM_057166.5); c.5624C>G, p.Thr1875Ser (NM_057167.4); short protein forms T2081S, T1474S, T1875S.
Identifiers: ClinVar variation 573924 (VCV000573924.11), dbSNP rs1364892747, ClinGen allele CA351216622.
Genomic context (GRCh38, chr2:237,360,128, plus strand): 5'-CCCCATCACCCACGCCTCACCTTTACTCCTCTCTGGCCCGGGCAGCCCTGGAAACCTTGA[G>C]TGCCGTTCACACCAGGCGGACCACGCTCACCCTGTTGTGAGAGACAAAGGCATTTTGCAA-3'
Protein context (NP_004360.2, residues 2071-2091): GERGPPGVNG[Thr2081Ser]QGFQGCPGQR

ClinVar aggregate classification (germline): Uncertain significance (1 of 4 stars; one submission).

Conditions:
Bethlem myopathy 1A. Also called: Bethlem myopathy 1; MYOPATHY, BENIGN CONGENITAL, WITH CONTRACTURES; Bethlem Muscular Dystrophy. Identifiers: Orphanet 610, MedGen CN029274, MONDO:0024530, OMIM 158810.

Allele frequency attached by ClinVar (database versions not stated): gnomAD 0.00001; TOPMed 0.00001.
gnomAD v4.1: 1 of 1,614,034 alleles (0.000062%); highest among the groups gnomAD compares: Non-Finnish European, 0.000085%; no homozygotes.

Submission:

Labcorp Genetics (formerly Invitae), Labcorp
Classification: Uncertain significance for Bethlem myopathy 1A. Last evaluated: 2025-10-02. Review status: criteria provided, single submitter. Criteria: Invitae Variant Classification Sherloc (09022015). Collection method: clinical testing. Allele origin: germline.
Comment: This sequence change replaces threonine, which is neutral and polar, with serine, which is neutral and polar, at codon 2081 of the COL6A3 protein (p.Thr2081Ser). This variant is not present in population databases (gnomAD no frequency). This variant has not been reported in the literature in individuals affected with COL6A3-related conditions. ClinVar contains an entry for this variant (Variation ID: 573924). Invitae Evidence Modeling of protein sequence and biophysical properties (such as structural, functional, and spatial information, amino acid conservation, physicochemical variation, residue mobility, and thermodynamic stability) indicates that this missense variant is expected to disrupt COL6A3 protein function with a positive predictive value of 80%. In summary, the available evidence is currently insufficient to determine the role of this variant in disease. Therefore, it has been classified as a Variant of Uncertain Significance.